The following is an entry in ClinVar:

ClinVar aggregate classification (germline): Uncertain significance (1 of 4 stars; one submission).

Conditions:
Familial hemophagocytic lymphohistiocytosis 5. Also called: STXBP2-Related Familial Hemophagocytic Lymphohistiocytosis (STXBP2-fHLH). Identifiers: Orphanet 540, MedGen C2751293, MONDO:0013135, OMIM 613101.

Allele frequency attached by ClinVar (database versions not stated): ExAC 0.00001; gnomAD exomes 0.00001; TOPMed 0.00001; gnomAD 0.00002 and 0.00003; 1000 Genomes Project 0.00020; 1000 Genomes Project 30x 0.00031.
gnomAD v4.1: 25 of 1,613,796 alleles (0.0015%); highest among the groups gnomAD compares: Admixed American, 0.005%; no homozygotes.

Submission:

Labcorp Genetics (formerly Invitae), Labcorp
Classification: Uncertain significance for Familial hemophagocytic lymphohistiocytosis 5. Last evaluated: 2025-11-28. Review status: criteria provided, single submitter. Criteria: Invitae Variant Classification Sherloc (09022015). Collection method: clinical testing. Allele origin: germline.
Comment: This sequence change replaces proline, which is neutral and non-polar, with alanine, which is neutral and non-polar, at codon 69 of the STXBP2 protein (p.Pro69Ala). This variant is present in population databases (rs532380776, gnomAD 0.003%). This variant has not been reported in the literature in individuals affected with STXBP2-related conditions. ClinVar contains an entry for this variant (Variation ID: 1489556). Invitae Evidence Modeling of protein sequence and biophysical properties (such as structural, functional, and spatial information, amino acid conservation, physicochemical variation, residue mobility, and thermodynamic stability) indicates that this missense variant is not expected to disrupt STXBP2 protein function with a negative predictive value of 95%. In summary, the available evidence is currently insufficient to determine the role of this variant in disease. Therefore, it has been classified as a Variant of Uncertain Significance.

NM_006949.4(STXBP2):c.205C>G (p.Pro69Ala)

Gene: STXBP2 (syntaxin binding protein 2; plus strand). Cytogenetic location: 19p13.2.
Variant type: single nucleotide variant.
Coding change: c.205C>G on transcript NM_006949.4 (MANE Select); coding-DNA position 205, C replaced by G.
Protein change: p.Pro69Ala; replaces proline 69 with alanine.
Molecular consequence: missense variant. On other transcripts: non-coding transcript variant (1).
Genome position (GRCh38, 1-based): chr19:7,639,766, C>G. VCF-style: chr19-7639766-C-G. GRCh37 (hg19) VCF-style: chr19-7704652-C-G.
Other names: c.205C>G, p.Pro69Ala (NM_001127396.3, NM_001272034.2); short protein forms P69A.
Identifiers: ClinVar variation 1489556 (VCV001489556.4), dbSNP rs532380776, ClinGen allele CA9143169.